The following is an entry in ClinVar:

NM_016203.4(PRKAG2):c.1696A>G (p.Thr566Ala)

Gene: PRKAG2 (protein kinase AMP-activated non-catalytic subunit gamma 2; minus strand). Cytogenetic location: 7q36.1.
Variant type: single nucleotide variant.
Coding change: c.1696A>G on transcript NM_016203.4 (MANE Select); coding-DNA position 1696, A replaced by G.
Protein change: p.Thr566Ala; replaces threonine 566 with alanine.
Molecular consequence: missense variant. On other transcripts: 3 prime UTR variant (7).
Genome position (GRCh38, 1-based): chr7:151,557,215, T>C on the plus strand (A>G on the coding strand, the complement: PRKAG2 is on the minus strand). VCF-style: chr7-151557215-T-C. GRCh37 (hg19) VCF-style: chr7-151254301-T-C.
Other names: c.1564A>G, p.Thr522Ala (NM_001040633.2, NM_001407024.1); c.1321A>G, p.Thr441Ala (NM_001304527.2); c.973A>G, p.Thr325Ala (NM_001304531.2, NM_024429.2); c.1324A>G, p.Thr442Ala (NM_001363698.2); c.*3127A>G (NM_001407021.1, NM_001407022.1, NM_001407028.1 and 4 more transcripts); c.1693A>G, p.Thr565Ala (NM_001407023.1); c.1561A>G, p.Thr521Ala (NM_001407026.1, NM_001407027.1); c.1408A>G, p.Thr470Ala (NM_001407030.1); and 6 more; short protein forms T324A, T325A, T341A, T345A, T441A, T442A, T458A, T460A.
Identifiers: ClinVar variation 4757087 (VCV004757087.1).

ClinVar aggregate classification (germline): Uncertain significance (1 of 4 stars; one submission).

Conditions:
Cardiomyopathy (CMYO). Also called: Cardiomyopathies. Identifiers: Orphanet 167848, MedGen C0878544, MONDO:0004994, HP:0001638. Inheritance: Various modes of inheritance.

Submission:

Color Diagnostics, LLC DBA Color Health
Classification: Uncertain significance for Cardiomyopathy. Last evaluated: 2025-06-17. Review status: criteria provided, single submitter. Criteria: ACMG Guidelines, 2015. Collection method: clinical testing. Allele origin: germline.
Comment: This missense variant replaces threonine with alanine at codon 566 of the PRKAG2 protein. Computational prediction suggests that this variant may not impact protein structure and function. To our knowledge, functional studies have not been reported for this variant. This variant has not been reported in individuals affected with PRKAG2-related disorders in the literature. This variant has not been identified in the general population by the Genome Aggregation Database (gnomAD). The available evidence is insufficient to determine the role of this variant in disease conclusively. Therefore, this variant is classified as a Variant of Uncertain Significance.